The following is an entry in ClinVar:

ClinVar aggregate classification (germline): Pathogenic/Likely pathogenic. Review status: criteria provided, multiple submitters, no conflicts (2 of 4 stars). 4 submissions from 4 submitters: Pathogenic (1); Likely pathogenic (3). Last evaluated 2024-12-27.

Conditions:
ABCA4-related disorder. Also called: ABCA4-related disorders; ABCA4-related condition. Identifiers: MedGen CN239167.
Stargardt disease (FFM). Also called: Fundus flavimaculatus; Stargardt's disease. Identifiers: Orphanet 827, MedGen C0271093, MONDO:0019353.
Severe early-childhood-onset retinal dystrophy (STGD1). Also called: STGD; Stargardt macular dystrophy; Juvenile onset macular degeneration; Stargardt disease 1; MACULAR DYSTROPHY WITH FLECKS, TYPE 1. Identifiers: Orphanet 364055, Orphanet 827, MedGen C1855465, MeSH D000080362, MONDO:0009549, OMIM 248200.

Submissions (4):

Women's Health and Genetics/Laboratory Corporation of America, LabCorp
Classification: Likely pathogenic for Stargardt disease. Last evaluated: 2024-12-27. Review status: criteria provided, single submitter. Criteria: LabCorp Variant Classification Summary - May 2015. Collection method: clinical testing. Allele origin: germline.
Comment: Variant summary: ABCA4 c.5691G>T (p.Gln1897His) results in a non-conservative amino acid change in the encoded protein sequence. Four of five in-silico tools predict a damaging effect of the variant on protein function. The variant was absent in 251362 control chromosomes. c.5691G>T has been reported in the literature in compound heterozygous individuals affected with Stargardt Disease (Maggi_2021, Heath Jeffery_2022, Weisschuh_2024). These data indicate that the variant is likely to be associated with disease. To our knowledge, no experimental evidence demonstrating an impact on protein function has been reported. The following publications have been ascertained in the context of this evaluation (PMID: 35344533, 36209838, 33546218, 37734845). ClinVar contains an entry for this variant (Variation ID: 1000328). Based on the evidence outlined above, the variant was classified as likely pathogenic.

Blueprint Genetics
Classification: Likely pathogenic for ABCA4-related disorders. Last evaluated: 2024-10-02. Review status: criteria provided, single submitter. Criteria: ACMG Guidelines, 2015. Collection method: clinical testing. Allele origin: germline. Affected: yes. Observed: 3 variant alleles.

Labcorp Genetics (formerly Invitae), Labcorp
Classification: Pathogenic. Last evaluated: 2023-10-05. Review status: criteria provided, single submitter. Criteria: Invitae Variant Classification Sherloc (09022015). Collection method: clinical testing. Allele origin: germline.
Comment: This sequence change replaces glutamine, which is neutral and polar, with histidine, which is basic and polar, at codon 1897 of the ABCA4 protein (p.Gln1897His). This variant is not present in population databases (gnomAD no frequency). This missense change has been observed in individual(s) with Stargardt disease (PMID: 33546218). In at least one individual the data is consistent with being in trans (on the opposite chromosome) from a pathogenic variant. ClinVar contains an entry for this variant (Variation ID: 1000328). Advanced modeling of protein sequence and biophysical properties (such as structural, functional, and spatial information, amino acid conservation, physicochemical variation, residue mobility, and thermodynamic stability) performed at Invitae indicates that this missense variant is expected to disrupt ABCA4 protein function. For these reasons, this variant has been classified as Pathogenic.

Institute of Medical Molecular Genetics, University of Zurich
Classification: Likely pathogenic for Severe early-childhood-onset retinal dystrophy. Last evaluated: 2021-01-30. Review status: criteria provided, single submitter. Criteria: ACMG Guidelines, 2015. Collection method: clinical testing. Allele origin: germline. Affected: yes.

Literature cited by the submitters: PubMed 36209838 (cited by Women's Health and Genetics/Laboratory Corporation of America, LabCorp); PubMed 37734845 (cited by Women's Health and Genetics/Laboratory Corporation of America, LabCorp); PubMed 33546218 (cited by Women's Health and Genetics/Laboratory Corporation of America, LabCorp and Labcorp Genetics (formerly Invitae), Labcorp); PubMed 35344533 (cited by Women's Health and Genetics/Laboratory Corporation of America, LabCorp).

NM_000350.3(ABCA4):c.5691G>T (p.Gln1897His)

Gene: ABCA4 (ATP binding cassette subfamily A member 4; minus strand). Cytogenetic location: 1p22.1.
Variant type: single nucleotide variant.
Coding change: c.5691G>T on transcript NM_000350.3 (MANE Select); coding-DNA position 5691, G replaced by T.
Protein change: p.Gln1897His; replaces glutamine 1897 with histidine.
Molecular consequence: missense variant.
Genome position (GRCh38, 1-based): chr1:94,010,823, C>A on the plus strand (G>T on the coding strand, the complement: ABCA4 is on the minus strand). VCF-style: chr1-94010823-C-A. GRCh37 (hg19) VCF-style: chr1-94476379-C-A.
Other names: c.5469G>T, p.Gln1823His (NM_001425324.1); short protein forms Q1897H, Q1823H.
Identifiers: ClinVar variation 1000328 (VCV001000328.10), dbSNP rs771092150, ClinGen allele CA341280743.